The following is an entry in ClinVar:

NM_000535.7(PMS2):c.2529T>A (p.Cys843Ter)

Gene: PMS2 (PMS1 homolog 2, mismatch repair system component; minus strand). Cytogenetic location: 7p22.1.
Variant type: single nucleotide variant.
Coding change: c.2529T>A on transcript NM_000535.7 (MANE Select); coding-DNA position 2529, T replaced by A.
Protein change: p.Cys843Ter; replaces cysteine 843 with a stop codon.
Molecular consequence: nonsense. On other transcripts: non-coding transcript variant (1).
Genome position (GRCh38, 1-based): chr7:5,973,459, A>T on the plus strand (T>A on the coding strand, the complement: PMS2 is on the minus strand). VCF-style: chr7-5973459-A-T. GRCh37 (hg19) VCF-style: chr7-6013090-A-T.
Other names: c.2124T>A, p.Cys708Ter (NM_001018040.1, NM_001322003.2, NM_001322004.2 and 12 more transcripts); c.2373T>A, p.Cys791Ter (NM_001322006.2); c.2211T>A, p.Cys737Ter (NM_001322007.2, NM_001322008.2, NM_001406883.1); c.2157T>A, p.Cys719Ter (NM_001322009.2, NM_001406887.1, NM_001406888.1); c.1968T>A, p.Cys656Ter (NM_001322010.2, NM_001406906.1, NM_001406907.1); c.1596T>A, p.Cys532Ter (NM_001322011.2, NM_001322012.2); c.1956T>A, p.Cys652Ter (NM_001322013.2, NM_001406908.1, NM_001406909.1); c.2562T>A, p.Cys854Ter (NM_001322014.2); and 20 more; short protein forms C442*, C532*, C586*, C604*, C652*, C656*, C672*, C681*.
Identifiers: ClinVar variation 3066388 (VCV003066388.1), dbSNP rs1583269331, ClinGen allele CA366734859.

ClinVar aggregate classification (germline): Uncertain significance (1 of 4 stars; one submission).

Conditions:
Lynch syndrome 4 (LYNCH4). Also called: Colorectal cancer, hereditary nonpolyposis, type 4; Hereditary non-polyposis colorectal cancer, type 4. Identifiers: Orphanet 144, MedGen C1838333, MONDO:0013699, OMIM 614337. Disease mechanism: loss of function.

Submission:

MVZ Medizinische Genetik Mainz
Classification: Uncertain significance for Lynch syndrome 4. Last evaluated: 2023-07-26. Review status: criteria provided, single submitter. Criteria: UK Practice Guidelines For Variant Classification V4 01 2020. Collection method: clinical testing. Allele origin: germline. Inheritance: Autosomal dominant inheritance. Observed: 1 variant allele.
Comment: ACMG Criteria: PVS1_MOD,PM2_SUP_MOD,PP4